The following is an entry in ClinVar:

NM_000593.6(TAP1):c.599G>A (p.Gly200Glu)

Gene: TAP1 (transporter 1, ATP binding cassette subfamily B member; minus strand). Cytogenetic location: 6p21.32.
Variant type: single nucleotide variant.
Coding change: c.599G>A on transcript NM_000593.6 (MANE Select); coding-DNA position 599, G replaced by A.
Protein change: p.Gly200Glu; replaces glycine 200 with glutamic acid.
Molecular consequence: missense variant. On other transcripts: 5 prime UTR variant (1).
Genome position (GRCh38, 1-based): chr6:32,852,502, C>T on the plus strand (G>A on the coding strand, the complement: TAP1 is on the minus strand). VCF-style: chr6-32852502-C-T. GRCh37 (hg19) VCF-style: chr6-32820279-C-T.
Other names: c.-5G>A (NM_001292022.2); short protein forms G200E.
Identifiers: ClinVar variation 1909445 (VCV001909445.2), dbSNP rs1770853173, ClinGen allele CA363581761.
Genomic context (GRCh38, chr6:32,852,502, plus strand): 5'-GAGCCATCTTGTAGAATCCAGTCAGTGAGGCGGCCCGTAAAGAATGGAATGGCCATCTCC[C>T]CTGGAGAAAGAGAAGAGAGGTCACGCACAAATATTAAGTCTAAGTAGGTCAGTTCCAGTC-3'
Protein context (NP_000584.3, residues 190-210): FLVLVVLSSL[Gly200Glu]EMAIPFFTGR

ClinVar aggregate classification (germline): Uncertain significance (1 of 4 stars; one submission).

Conditions:
MHC class I deficiency. Identifiers: Orphanet 34592, MedGen C6024714, MONDO:0011476.

Allele frequency attached by ClinVar (database versions not stated): gnomAD 0.00001; gnomAD exomes 0.00001; TOPMed 0.00001.
gnomAD v4.1: 11 of 1,612,844 alleles (0.00068%); highest among the groups gnomAD compares: Non-Finnish European, 0.00093%; no homozygotes.

Submission:

Labcorp Genetics (formerly Invitae), Labcorp
Classification: Uncertain significance for MHC class I deficiency 1. Last evaluated: 2022-04-16. Review status: criteria provided, single submitter. Criteria: Invitae Variant Classification Sherloc (09022015). Collection method: clinical testing. Allele origin: germline.
Comment: This sequence change replaces glycine, which is neutral and non-polar, with glutamic acid, which is acidic and polar, at codon 260 of the TAP1 protein (p.Gly260Glu). This variant is not present in population databases (gnomAD no frequency). This variant has not been reported in the literature in individuals affected with TAP1-related conditions. Algorithms developed to predict the effect of missense changes on protein structure and function are either unavailable or do not agree on the potential impact of this missense change (SIFT: "Deleterious"; PolyPhen-2: "Probably Damaging"; Align-GVGD: "Class C0"). In summary, the available evidence is currently insufficient to determine the role of this variant in disease. Therefore, it has been classified as a Variant of Uncertain Significance.